The following is an entry in ClinVar:

ClinVar aggregate classification (germline): Conflicting classifications of pathogenicity. Review status: criteria provided, conflicting classifications (1 of 4 stars). 3 submissions from 3 submitters: Pathogenic (1); Benign (1). 1 of the submissions does not count toward it. Last evaluated 2023-04-17.

Conditions:
Brain-lung-thyroid syndrome. Also called: Choreoathetosis, congenital hypothyroidism, and neonatal respiratory distress; Choreoathetosis, Congenital Hypothyroidism, and Neonatal Respiratory Distress Syndrome (Brain-Lung-Thyroid Syndrome); CHOREOATHETOSIS AND CONGENITAL HYPOTHYROIDISM WITH PULMONARY DYSFUNCTION. Identifiers: Orphanet 209905, MedGen C1970269, MONDO:0012593, OMIM 610978.
Benign hereditary chorea (BHC). Also called: Benign Hereditary Chorea (BHC); HEREDITARY PROGRESSIVE CHOREA WITHOUT DEMENTIA. Identifiers: Orphanet 1429, MedGen C0393584, MONDO:0021011, OMIM 118700.

Submissions (3):

Labcorp Genetics (formerly Invitae), Labcorp
Classification: Pathogenic. Last evaluated: 2023-04-17. Review status: criteria provided, single submitter. Criteria: Invitae Variant Classification Sherloc (09022015). Collection method: clinical testing. Allele origin: germline.
Comment: For these reasons, this variant has been classified as Pathogenic. Variants that disrupt the consensus splice site are a relatively common cause of aberrant splicing (PMID: 17576681, 9536098). Algorithms developed to predict the effect of sequence changes on RNA splicing suggest that this variant may disrupt the consensus splice site. This sequence change affects an acceptor splice site in intron 2 of the NKX2-1 gene. While this variant is not anticipated to result in nonsense mediated decay, it likely alters RNA splicing and results in a disrupted protein product. This variant is not present in population databases (gnomAD no frequency). Disruption of this splice site has been observed in individual(s) with clinical features of NKX2-1-related conditions (PMID: 12891678, 15289765, 24930029). It has also been observed to segregate with disease in related individuals. This variant is also known as -2A>T substitution in the invariant AG splice acceptor site of intron 2. ClinVar contains an entry for this variant (Variation ID: 8978).

Mendelics
Classification: Benign for Brain-lung-thyroid syndrome. Last evaluated: 2019-05-28. Review status: criteria provided, single submitter. Criteria: Mendelics Assertion Criteria 2017. Collection method: clinical testing. Allele origin: unknown.

OMIM
Classification: Pathogenic for CHOREA, BENIGN HEREDITARY. Last evaluated: 2003-08-01. Review status: no assertion criteria provided. Collection method: literature only. Allele origin: germline. Not counted in ClinVar's aggregate classification.

Literature cited by the submitters: PubMed 17576681 (cited by Labcorp Genetics (formerly Invitae), Labcorp); PubMed 9536098 (cited by Labcorp Genetics (formerly Invitae), Labcorp); PubMed 12891678 (cited by Labcorp Genetics (formerly Invitae), Labcorp and OMIM); PubMed 15289765 (cited by Labcorp Genetics (formerly Invitae), Labcorp); PubMed 24930029 (cited by Labcorp Genetics (formerly Invitae), Labcorp).

NM_001079668.3(NKX2-1):c.464-2A>T

Genes: NKX2-1 (NK2 homeobox 1; minus strand), SFTA3 (surfactant associated 3; minus strand). Cytogenetic location: 14q13.3.
Variant type: single nucleotide variant.
Coding change: c.464-2A>T on transcript NM_001079668.3 (MANE Select); the canonical splice acceptor site of the intron before coding-DNA position 464, A replaced by T.
Molecular consequence: splice acceptor variant.
Genome position (GRCh38, 1-based): chr14:36,518,022, T>A on the plus strand (A>T on the coding strand, the complement: NKX2-1 is on the minus strand). VCF-style: chr14-36518022-T-A. GRCh37 (hg19) VCF-style: chr14-36987227-T-A.
Other names: IVS2AS, A-T, -2; c.374-2A>T (NM_003317.4).
Identifiers: ClinVar variation 8978 (VCV000008978.7), dbSNP rs587776708, ClinGen allele CA254622.
Genomic context (GRCh38, chr14:36,518,022, plus strand): 5'-GCCCAGGCCGCCCATGCCGCTCATGTTCATGCCGCTCGCCGGGCCCATGAAGCGGGAGAC[T>A]GTAAGCGACAAACGCACAGCGTCGGCCGGGGCCAGGCCGAGCCAGGCCACCCCTGTTTTC-3'